The following is an entry in ClinVar:

ClinVar aggregate classification (germline): Uncertain significance (1 of 4 stars; one submission).

Submission:

GeneDx
Classification: Uncertain significance. Last evaluated: 2024-03-27. Review status: criteria provided, single submitter. Criteria: GeneDx Variant Classification Process June 2021. Collection method: clinical testing. Allele origin: germline. Affected: yes.
Comment: Not observed at significant frequency in large population cohorts (gnomAD); In silico analysis supports that this missense variant has a deleterious effect on protein structure/function; Has not been previously published as pathogenic or benign to our knowledge

NM_003590.5(CUL3):c.1574C>G (p.Pro525Arg)

Gene: CUL3 (cullin 3; minus strand). Cytogenetic location: 2q36.2.
Variant type: single nucleotide variant.
Coding change: c.1574C>G on transcript NM_003590.5 (MANE Select); coding-DNA position 1574, C replaced by G.
Protein change: p.Pro525Arg; replaces proline 525 with arginine.
Molecular consequence: missense variant.
Genome position (GRCh38, 1-based): chr2:224,500,399, G>C on the plus strand (C>G on the coding strand, the complement: CUL3 is on the minus strand). VCF-style: chr2-224500399-G-C. GRCh37 (hg19) VCF-style: chr2-225365116-G-C.
Other names: c.1376C>G, p.Pro459Arg (NM_001257197.2); c.1592C>G, p.Pro531Arg (NM_001257198.2); short protein forms P459R, P525R, P531R.
Identifiers: ClinVar variation 3371551 (VCV003371551.1).
Genomic context (GRCh38, chr2:224,500,399, plus strand): 5'-ATACAAAGTCTGATTTTGATTTACCTTCTGAATATCTCAAAAGCATGTCTTGGTGCTGGT[G>C]GGATGTTGCACTTTGGTGTGGCTGACTGAGTGGGCCAATATCCTGTCGTGAGCACCCGGA-3'
Protein context (NP_003581.1, residues 515-535): TQSATPKCNI[Pro525Arg]PAPRHAFEIF